The following is an entry in ClinVar:

ClinVar aggregate classification (germline): Pathogenic/Likely pathogenic. Review status: criteria provided, multiple submitters, no conflicts (2 of 4 stars). 3 submissions from 3 submitters: Pathogenic (2); Likely pathogenic (1). Last evaluated 2025-09-22.

Conditions:
Infantile liver failure syndrome 2 (ILFS2). Identifiers: MedGen C3809651, MONDO:0014659, OMIM 616483.
Short stature-optic atrophy-Pelger-Huët anomaly syndrome. Also called: Short stature, optic nerve atrophy, and Pelger-Huet anomaly; Short stature-optic atrophy-Pelger-HuC+t anomaly syndrome. Identifiers: Orphanet 391677, MedGen C3541319, MONDO:0013889, OMIM 614800.

Allele frequency attached by ClinVar (database versions not stated): ESP Exome Variant Server 0.00008.
gnomAD v4.1: 21 of 1,613,320 alleles (0.0013%); highest among the groups gnomAD compares: East Asian, 0.0045%; no homozygotes.

Submissions (3):

Labcorp Genetics (formerly Invitae), Labcorp
Classification: Pathogenic. Last evaluated: 2025-09-22. Review status: criteria provided, single submitter. Criteria: Invitae Variant Classification Sherloc (09022015). Collection method: clinical testing. Allele origin: germline.
Comment: This sequence change creates a premature translational stop signal (p.Arg456*) in the NBAS gene. It is expected to result in an absent or disrupted protein product. Loss-of-function variants in NBAS are known to be pathogenic (PMID: 26073778, 26541327, 27789416, 28031453). This variant is present in population databases (rs372603397, gnomAD 0.006%). This variant has not been reported in the literature in individuals affected with NBAS-related conditions. ClinVar contains an entry for this variant (Variation ID: 1427718). For these reasons, this variant has been classified as Pathogenic.

Dasa
Classification: Pathogenic. Last evaluated: 2024-05-29. Review status: criteria provided, single submitter. Criteria: DASA Assertion Criteria. Collection method: clinical testing. Allele origin: germline.
Comment: NM_015909.4(NBAS):c.1366C>T (p.Arg456*) introduces a premature termination codon predicted to result in loss of normal protein function. Loss-of-function is an established mechanism of disease for this gene. Based on the available data, this variant is classified as pathogenic.

Fulgent Genetics
Classification: Likely pathogenic for Short stature-optic atrophy-Pelger-Huët anomaly syndrome; Infantile liver failure syndrome 2. Last evaluated: 2024-05-14. Review status: criteria provided, single submitter. Criteria: ACMG Guidelines, 2015. Collection method: clinical testing. Allele origin: germline.

Literature cited by the submitters: PubMed 26073778 (cited by Labcorp Genetics (formerly Invitae), Labcorp); PubMed 26541327 (cited by Labcorp Genetics (formerly Invitae), Labcorp); PubMed 27789416 (cited by Labcorp Genetics (formerly Invitae), Labcorp); PubMed 28031453 (cited by Labcorp Genetics (formerly Invitae), Labcorp).

NM_015909.4(NBAS):c.1366C>T (p.Arg456Ter)

Gene: NBAS (NBAS subunit of NRZ tethering complex; minus strand). Cytogenetic location: 2p24.3.
Variant type: single nucleotide variant.
Coding change: c.1366C>T on transcript NM_015909.4 (MANE Select); coding-DNA position 1366, C replaced by T.
Protein change: p.Arg456Ter; replaces arginine 456 with a stop codon.
Molecular consequence: nonsense. On other transcripts: non-coding transcript variant (1).
Genome position (GRCh38, 1-based): chr2:15,474,300, G>A on the plus strand (C>T on the coding strand, the complement: NBAS is on the minus strand). VCF-style: chr2-15474300-G-A. GRCh37 (hg19) VCF-style: chr2-15614424-G-A.
Other names: short protein forms R456*.
Identifiers: ClinVar variation 1427718 (VCV001427718.8), dbSNP rs372603397, ClinGen allele CA1536696.
Genomic context (GRCh38, chr2:15,474,300, plus strand): 5'-CAGAATCAGAATCCTCTTCTCCTTCATCTTCTTCTCCAGCTCTAGTCTCCAAACGAGATC[G>A]TTTGGGGGCAAGTTTAATCTCACACTAAATTGAAAAAGGAGATTTGAAGTTAATAGTAAG-3'